The following is an entry in ClinVar:

NM_139318.5(KCNH5):c.2420A>G (p.Asn807Ser)

Gene: KCNH5 (potassium voltage-gated channel subfamily H member 5; minus strand). Cytogenetic location: 14q23.2.
Variant type: single nucleotide variant.
Coding change: c.2420A>G on transcript NM_139318.5 (MANE Select); coding-DNA position 2420, A replaced by G.
Protein change: p.Asn807Ser; replaces asparagine 807 with serine.
Molecular consequence: missense variant. On other transcripts: 3 prime UTR variant (1).
Genome position (GRCh38, 1-based): chr14:62,708,055, T>C on the plus strand (A>G on the coding strand, the complement: KCNH5 is on the minus strand). VCF-style: chr14-62708055-T-C. GRCh37 (hg19) VCF-style: chr14-63174773-T-C.
Other names: c.*387A>G (NM_172375.3); short protein forms N807S.
Identifiers: ClinVar variation 950048 (VCV000950048.8), dbSNP rs770323761, ClinGen allele CA7217256.

ClinVar aggregate classification (germline): Uncertain significance (1 of 4 stars; one submission).

Conditions:
Developmental and epileptic encephalopathy. Identifiers: MedGen C5779964, MONDO:0100620.

Allele frequency attached by ClinVar (database versions not stated): gnomAD exomes below 0.00001 and 0.00001; gnomAD 0.00001; ExAC 0.00002.
gnomAD v4.1: 9 of 1,614,098 alleles (0.00056%); highest among the groups gnomAD compares: South Asian, 0.0088%; no homozygotes.

Submission:

Labcorp Genetics (formerly Invitae), Labcorp
Classification: Uncertain significance for Early-infantile DEE. Last evaluated: 2021-09-01. Review status: criteria provided, single submitter. Criteria: Invitae Variant Classification Sherloc (09022015). Collection method: clinical testing. Allele origin: germline.
Comment: This sequence change replaces asparagine with serine at codon 807 of the KCNH5 protein (p.Asn807Ser). The asparagine residue is moderately conserved and there is a small physicochemical difference between asparagine and serine. This variant is present in population databases (rs770323761, ExAC 0.01%). This variant has not been reported in the literature in individuals affected with KCNH5-related conditions. Algorithms developed to predict the effect of missense changes on protein structure and function (SIFT, PolyPhen-2, Align-GVGD) all suggest that this variant is likely to be tolerated. In summary, the available evidence is currently insufficient to determine the role of this variant in disease. Therefore, it has been classified as a Variant of Uncertain Significance.